The following is an entry in ClinVar:

ClinVar aggregate classification (germline): Benign/Likely benign. Review status: criteria provided, multiple submitters, no conflicts (2 of 4 stars). 8 submissions from 8 submitters: Benign (2); Likely benign (4). 2 of the submissions do not count toward it. Last evaluated 2026-02-04.

Conditions:
Polycystic kidney disease 4 (PKD4). Also called: POLYCYSTIC KIDNEY AND HEPATIC DISEASE 1; POLYCYSTIC KIDNEY DISEASE, INFANTILE, TYPE I; PKD3; Autosomal Recessive Polycystic Kidney Disease – PKHD1; POLYCYSTIC KIDNEY DISEASE 4 WITH OR WITHOUT POLYCYSTIC LIVER DISEASE. Identifiers: MedGen C4540575, MONDO:0033004, OMIM 263200.
PKHD1-related disorder. Also called: PKHD1-related condition.
Autosomal recessive polycystic kidney disease (ARPKD). Also called: AR polycystic kidney disease. Identifiers: Orphanet 731, Orphanet 8378, MedGen C0085548, MeSH D017044, MONDO:0009889.

Submissions (8):

Labcorp Genetics (formerly Invitae), Labcorp
Classification: Likely benign for Autosomal recessive polycystic kidney disease. Last evaluated: 2026-02-04. Review status: criteria provided, single submitter. Criteria: Invitae Variant Classification Sherloc (09022015). Collection method: clinical testing. Allele origin: germline.

Mayo Clinic Laboratories, Mayo Clinic
Classification: Likely benign. Last evaluated: 2025-04-21. Review status: criteria provided, single submitter. Criteria: ACMG Guidelines, 2015. Collection method: clinical testing. Allele origin: germline. Observed: 6 variant alleles.
Comment: BS1, BP4, BP7

Fulgent Genetics
Classification: Likely benign for Polycystic kidney disease 4. Last evaluated: 2021-08-03. Review status: criteria provided, single submitter. Criteria: ACMG Guidelines, 2015. Collection method: clinical testing. Allele origin: unknown.

GeneDx
Classification: Likely benign. Last evaluated: 2021-03-09. Review status: criteria provided, single submitter. Criteria: GeneDx Variant Classification Process June 2021. Collection method: clinical testing. Allele origin: germline. Affected: yes.

Women's Health and Genetics/Laboratory Corporation of America, LabCorp
Classification: Benign. Last evaluated: 2018-07-12. Review status: criteria provided, single submitter. Criteria: LabCorp Variant Classification Summary - May 2015. Collection method: clinical testing. Allele origin: germline.
Comment: Variant summary: PKHD1 c.449-9_449-7delTTC alters a non-conserved nucleotide located close to a canonical splice site and therefore could affect mRNA splicing, leading to a significantly altered protein sequence. The variant allele was found at a frequency of 0.00096 in 121106 control chromosomes, predominantly at a frequency of 0.01 within the African or African-American subpopulation in the gnomAD database, including 1 homozygotes. The observed variant frequency within African or African-American control individuals in the gnomAD database is approximately 1.44 fold of the estimated maximal expected allele frequency for a pathogenic variant in PKHD1 causing Polycystic Kidney and Hepatic Disease phenotype (0.0071), strongly suggesting that the variant is a benign polymorphism found primarily in populations of African or African-American origin. To our knowledge, no occurrence of c.449-9_449-7delTTC in individuals affected with Polycystic Kidney and Hepatic Disease and no experimental evidence demonstrating its impact on protein function have been reported. One clinical diagnostic laboratory has submitted clinical-significance assessments for this variant to ClinVar after 2014 without evidence for independent evaluation. One laboratory classified the variant as benign/likely benign. Based on the evidence outlined above, the variant was classified as benign.

Eurofins Ntd Llc (ga)
Classification: Benign. Last evaluated: 2014-12-02. Review status: criteria provided, single submitter. Criteria: EGL Classification Definitions 2015. Collection method: clinical testing. Allele origin: germline. Observed: 1 variant allele, 1 heterozygote.

PreventionGenetics, part of Exact Sciences
Classification: Benign for PKHD1-related condition. Last evaluated: 2019-12-20. Review status: no assertion criteria provided. Collection method: clinical testing. Allele origin: germline. Not counted in ClinVar's aggregate classification.
Comment: This variant is classified as benign based on ACMG/AMP sequence variant interpretation guidelines (Richards et al. 2015 PMID: 25741868, with internal and published modifications).

Natera, Inc.
Classification: Benign for Autosomal recessive polycystic kidney disease. Last evaluated: 2017-11-15. Review status: no assertion criteria provided. Collection method: clinical testing. Allele origin: germline. Not counted in ClinVar's aggregate classification.

NM_138694.4(PKHD1):c.449-15TTC[2]

Gene: PKHD1 (PKHD1 ciliary IPT domain containing fibrocystin/polyductin; minus strand). Cytogenetic location: 6p12.2.
Variant type: Microsatellite.
Coding change: c.449-15TTC[2] on transcript NM_138694.4 (MANE Select); two copies in a row of the 3-base unit TTC starting at c.449-15; the reference has three copies in a row; one copy, 3 bases deleted.
Molecular consequence: intron variant.
Genome position (GRCh38, 1-based): chr6:52,073,548-52,073,550, GAA deleted on the plus strand (TTC on the coding strand, the reverse complement: PKHD1 is on the minus strand); deleting any 3 consecutive bases within chr6:52,073,548-52,073,556 gives the same sequence; the position shown is the placement nearest the transcript's 3' end. VCF-style (leftmost placement, unchanged base first): chr6-52073547-TGAA-T. GRCh37 (hg19) VCF-style: chr6-51938345-TGAA-T.
Other names: p.?; c.449-9_449-7del (NM_138694.4, NM_170724.3); c.449-9_449-7delTTC (NM_138694.3); c.449-15TTC[2] (NM_170724.3).
Identifiers: ClinVar variation 198616 (VCV000198616.26), dbSNP rs545812620, ClinGen allele CA203523.